The following is an entry in ClinVar:

ClinVar aggregate classification (germline): Uncertain significance (1 of 4 stars; one submission).

Allele frequency attached by ClinVar (database versions not stated): gnomAD exomes below 0.00001; gnomAD 0.00001; TOPMed 0.00001.
gnomAD v4.1: 3 of 1,209,647 alleles (0.00025%); highest among the groups gnomAD compares: Non-Finnish European, 0.00034%; no homozygotes.

Submission:

CeGaT Center for Human Genetics Tuebingen
Classification: Uncertain significance. Last evaluated: 2024-02-01. Review status: criteria provided, single submitter. Criteria: CeGaT Center For Human Genetics Tuebingen Variant Classification Criteria Version 2. Collection method: clinical testing. Allele origin: germline. Affected: yes. Observed: 1 variant allele.
Comment: NKAP: PM2, BP4

NM_024528.4(NKAP):c.319C>T (p.Pro107Ser)

Gene: NKAP (NFKB activating protein; minus strand). Cytogenetic location: Xq24.
Variant type: single nucleotide variant.
Coding change: c.319C>T on transcript NM_024528.4 (MANE Select); coding-DNA position 319, C replaced by T.
Protein change: p.Pro107Ser; replaces proline 107 with serine.
Molecular consequence: missense variant.
Genome position (GRCh38, 1-based): chrX:119,943,287, G>A on the plus strand (C>T on the coding strand, the complement: NKAP is on the minus strand). VCF-style: chrX-119943287-G-A. GRCh37 (hg19) VCF-style: chrX-119077250-G-A.
Other names: short protein forms P107S.
Identifiers: ClinVar variation 3026301 (VCV003026301.22), dbSNP rs1304810833, ClinGen allele CA414189116.
Genomic context (GRCh38, chrX:119,943,287, plus strand): 5'-GCAGGCTCTCCTCCCTCTCCTTGTCGAGGAGGCTAGGCCAAGGCTTGTCGCTCCCGTAGG[G>A]GCGCGAGTAGCTGCCGTAATAGACTGACGAGGAGGCAGAAGCGAAGGGGATGCCCCGGGG-3'
Protein context (NP_078804.2, residues 97-117): SSVYYGSYSR[Pro107Ser]YGSDKPWPSL